The following is an entry in ClinVar:

NM_001041.4(SI):c.691A>G (p.Thr231Ala)

Gene: SI (sucrase-isomaltase; minus strand). Cytogenetic location: 3q26.1.
Variant type: single nucleotide variant.
Coding change: c.691A>G on transcript NM_001041.4 (MANE Select); coding-DNA position 691, A replaced by G.
Protein change: p.Thr231Ala; replaces threonine 231 with alanine.
Molecular consequence: missense variant.
Genome position (GRCh38, 1-based): chr3:165,065,377, T>C on the plus strand (A>G on the coding strand, the complement: SI is on the minus strand). VCF-style: chr3-165065377-T-C. GRCh37 (hg19) VCF-style: chr3-164783165-T-C.
Other names: short protein forms T231A.
Identifiers: ClinVar variation 344065 (VCV000344065.23), dbSNP rs9283633, ClinGen allele CA2691355.
Genomic context (GRCh38, chr3:165,065,377, plus strand): 5'-GACGAAATCTCTTATGAACTTGTTCTCCAATACCATAAATATAATCACTTGGAAGACGGG[T>C]TGAGATCTGTAAGTACTGGTCAGAGTACACTAAGGGACCAATGCTGGTGTCAAACCTGCA-3'
Protein context (NP_001032.2, residues 221-241): VYSDQYLQIS[Thr231Ala]RLPSDYIYGI

ClinVar aggregate classification (germline): Benign/Likely benign. Review status: criteria provided, multiple submitters, no conflicts (2 of 4 stars). 8 submissions from 8 submitters: Benign (5); Likely benign (1). 2 of the submissions do not count toward it. Last evaluated 2026-02-04.

Conditions:
Sucrase-isomaltase deficiency (CSID). Also called: Congenital sucrose isomaltose malabsorption; Sucrose isomaltose enzyme deficiency; SI DEFICIENCY; Deficiency of isomaltase. Identifiers: Orphanet 35122, MedGen C1283620, MONDO:0009114, OMIM 222900.

Allele frequency attached by ClinVar (database versions not stated): ESP Exome Variant Server 0.55820; gnomAD 0.56659 and 0.56995; gnomAD exomes 0.59617 and 0.61926; 1000 Genomes Project 30x 0.60962; ExAC 0.61353; 1000 Genomes Project 0.61601.
gnomAD v4.1: 929,585 of 1,564,946 alleles (59%); highest among the groups gnomAD compares: East Asian, 83%; 280,223 homozygotes.

Submissions (8):

Labcorp Genetics (formerly Invitae), Labcorp
Classification: Benign. Last evaluated: 2026-02-04. Review status: criteria provided, single submitter. Criteria: Invitae Variant Classification Sherloc (09022015). Collection method: clinical testing. Allele origin: germline.

Blueprint Genetics
Classification: Likely benign. Last evaluated: 2024-11-26. Review status: criteria provided, single submitter. Criteria: ACMG Guidelines, 2015. Collection method: clinical testing. Allele origin: germline.

Mayo Clinic Laboratories, Mayo Clinic
Classification: Benign. Last evaluated: 2022-09-06. Review status: criteria provided, single submitter. Criteria: ACMG Guidelines, 2015. Collection method: clinical testing. Allele origin: germline. Observed: 77 variant alleles.

Genome-Nilou Lab
Classification: Benign for Sucrase-isomaltase deficiency. Last evaluated: 2021-07-15. Review status: criteria provided, single submitter. Criteria: ACMG Guidelines, 2015. Collection method: clinical testing. Allele origin: germline. Affected: no.

Illumina Laboratory Services, Illumina
Classification: Benign for Sucrase-isomaltase deficiency. Last evaluated: 2018-01-13. Review status: criteria provided, single submitter. Criteria: ICSL Variant Classification Criteria 13 December 2019. Collection method: clinical testing. Allele origin: germline.
Comment: This variant was observed in the ICSL laboratory as part of a predisposition screen in an ostensibly healthy population. It had not been previously curated by ICSL or reported in the Human Gene Mutation Database (HGMD: prior to June 1st, 2018), and was therefore a candidate for classification through an automated scoring system. Utilizing variant allele frequency, disease prevalence and penetrance estimates, and inheritance mode, an automated score was calculated to assess if this variant is too frequent to cause the disease. Based on the score and internal cut-off values, a variant classified as benign is not then subjected to further curation. The score for this variant resulted in a classification of benign for this disease.

Breakthrough Genomics
Classification: Benign. Review status: criteria provided, single submitter. Criteria: ACMG Guidelines, 2015. Collection method: not provided. Allele origin: germline. Inheritance: Autosomal recessive inheritance. Affected: yes.

Diagnostic Laboratory, Department of Genetics, University Medical Center Groningen
Classification: Benign. Review status: no assertion criteria provided. Collection method: clinical testing. Allele origin: germline. Affected: yes. Study: VKGL Data-share Consensus. Not counted in ClinVar's aggregate classification.

Joint Genome Diagnostic Labs from Nijmegen and Maastricht, Radboudumc and MUMC+
Classification: Benign. Review status: no assertion criteria provided. Collection method: clinical testing. Allele origin: germline. Affected: yes. Study: VKGL Data-share Consensus. Not counted in ClinVar's aggregate classification.